The following is an entry in ClinVar:

ClinVar aggregate classification (germline): Uncertain significance (1 of 4 stars; one submission).

Conditions:
Tuberous sclerosis 1 (TSC1). Identifiers: Orphanet 805, MedGen C1854465, MONDO:0008612, OMIM 191100.

Submission:

Labcorp Genetics (formerly Invitae), Labcorp
Classification: Uncertain significance for Tuberous sclerosis 1. Last evaluated: 2021-08-31. Review status: criteria provided, single submitter. Criteria: Invitae Variant Classification Sherloc (09022015). Collection method: clinical testing. Allele origin: germline.
Comment: This sequence change replaces threonine with alanine at codon 138 of the TSC1 protein (p.Thr138Ala). The threonine residue is highly conserved and there is a small physicochemical difference between threonine and alanine. This variant is not present in population databases (ExAC no frequency). This variant has not been reported in the literature in individuals affected with TSC1-related conditions. Algorithms developed to predict the effect of missense changes on protein structure and function are either unavailable or do not agree on the potential impact of this missense change (SIFT: "Deleterious"; PolyPhen-2: "Possibly Damaging"; Align-GVGD: "Class C0"). Algorithms developed to predict the effect of sequence changes on RNA splicing suggest that this variant may create or strengthen a splice site. In summary, the available evidence is currently insufficient to determine the role of this variant in disease. Therefore, it has been classified as a Variant of Uncertain Significance.

NM_000368.5(TSC1):c.412A>G (p.Thr138Ala)

Gene: TSC1 (TSC complex subunit 1; minus strand). Cytogenetic location: 9q34.13.
Variant type: single nucleotide variant.
Coding change: c.412A>G on transcript NM_000368.5 (MANE Select); coding-DNA position 412, A replaced by G.
Protein change: p.Thr138Ala; replaces threonine 138 with alanine.
Molecular consequence: missense variant.
Genome position (GRCh38, 1-based): chr9:132,923,444, T>C on the plus strand (A>G on the coding strand, the complement: TSC1 is on the minus strand). VCF-style: chr9-132923444-T-C. GRCh37 (hg19) VCF-style: chr9-135798831-T-C.
Other names: c.412A>G, p.Thr138Ala (NM_001162426.2); c.259A>G, p.Thr87Ala (NM_001162427.2); c.49A>G, p.Thr17Ala (NM_001362177.2); short protein forms T138A, T17A, T87A.
Identifiers: ClinVar variation 838765 (VCV000838765.7), dbSNP rs1846678617, ClinGen allele CA375373556.